The following is an entry in ClinVar:

NM_014319.5(LEMD3):c.1649C>G (p.Ser550Cys)

Gene: LEMD3 (LEM domain containing 3; plus strand). Cytogenetic location: 12q14.3.
Variant type: single nucleotide variant.
Coding change: c.1649C>G on transcript NM_014319.5 (MANE Select); coding-DNA position 1649, C replaced by G.
Protein change: p.Ser550Cys; replaces serine 550 with cysteine.
Molecular consequence: missense variant.
Genome position (GRCh38, 1-based): chr12:65,218,573, C>G. VCF-style: chr12-65218573-C-G. GRCh37 (hg19) VCF-style: chr12-65612353-C-G.
Other names: c.1646C>G, p.Ser549Cys (NM_001167614.2); short protein forms S549C, S550C.
Identifiers: ClinVar variation 1421205 (VCV001421205.8), dbSNP rs760830144, ClinGen allele CA6670989.

ClinVar aggregate classification (germline): Uncertain significance (1 of 4 stars; one submission).

Allele frequency attached by ClinVar (database versions not stated): gnomAD exomes below 0.00001; ExAC 0.00001.
gnomAD v4.1: 1 of 1,606,288 alleles (0.000062%); highest among the groups gnomAD compares: Admixed American, 0.0017%; no homozygotes.

Submission:

Labcorp Genetics (formerly Invitae), Labcorp
Classification: Uncertain significance. Last evaluated: 2021-03-30. Review status: criteria provided, single submitter. Criteria: Invitae Variant Classification Sherloc (09022015). Collection method: clinical testing. Allele origin: germline.
Comment: In summary, the available evidence is currently insufficient to determine the role of this variant in disease. Therefore, it has been classified as a Variant of Uncertain Significance. Algorithms developed to predict the effect of missense changes on protein structure and function are either unavailable or do not agree on the potential impact of this missense change (SIFT: "Deleterious"; PolyPhen-2: "Possibly Damaging"; Align-GVGD: "Class C0"). This variant has not been reported in the literature in individuals with LEMD3-related conditions. This variant is present in population databases (rs760830144, ExAC 0.009%). This sequence change replaces serine with cysteine at codon 550 of the LEMD3 protein (p.Ser550Cys). The serine residue is weakly conserved and there is a moderate physicochemical difference between serine and cysteine.